The following is an entry in ClinVar:

NM_178844.4(NLRC3):c.*2C>T

Gene: NLRC3 (NLR family CARD domain containing 3; minus strand). Cytogenetic location: 16p13.3.
Variant type: single nucleotide variant.
Coding change: c.*2C>T on transcript NM_178844.4 (MANE Select); 2 bases downstream of the stop codon, C replaced by T.
Molecular consequence: 3 prime UTR variant. On other transcripts: non-coding transcript variant (1).
Genome position (GRCh38, 1-based): chr16:3,541,823, G>A on the plus strand (C>T on the coding strand, the complement: NLRC3 is on the minus strand). VCF-style: chr16-3541823-G-A. GRCh37 (hg19) VCF-style: chr16-3591823-G-A.
Identifiers: ClinVar variation 103374 (VCV000103374.2), dbSNP rs199475947, ClinGen allele CA276956028.
Genomic context (GRCh38, chr16:3,541,823, plus strand): 5'-GCCTTTCTGTTCAAAAGCTTCCAGCTGAGCATCTGCCCATTCTCCTGATCCGTCCACCAG[G>A]ATCACATTTCAACAGTGCACGTGGGAGCATTTGTCTTGATGGCCTCTGAGATCATCCTGG-3'

ClinVar aggregate classification (germline): not provided (0 of 4 stars; one submission).

Submission:

Human Evolutionary Genetics, Institut Pasteur
No classification provided. Review status: no classification provided. Collection method: not provided. Allele origin: germline.
ClinVar note: Converted during submission from untested to not provided.